The following is an entry in ClinVar:

NM_024306.5(FA2H):c.426_428del (p.Asp142del)

Gene: FA2H (fatty acid 2-hydroxylase; minus strand). Cytogenetic location: 16q23.1.
Variant type: Deletion.
Coding change: c.426_428del on transcript NM_024306.5 (MANE Select); coding-DNA positions 426 to 428, 3 bases deleted (TGA; older notation c.426_428delTGA).
Protein change: p.Asp142del; deletes aspartic acid 142.
Molecular consequence: inframe deletion.
Genome position (GRCh38, 1-based): chr16:74,727,322-74,727,324, TCA deleted on the plus strand (TGA on the coding strand, the reverse complement: FA2H is on the minus strand); deleting any 3 consecutive bases within chr16:74,727,322-74,727,326 gives the same sequence; the c. name uses the placement nearest the transcript's 3' end. VCF-style (leftmost placement, unchanged base first): chr16-74727321-CTCA-C. GRCh37 (hg19) VCF-style: chr16-74761219-CTCA-C.
Other names: short protein forms D142del.
Identifiers: ClinVar variation 947861 (VCV000947861.9), dbSNP rs1961980881, ClinGen allele CA1139664823.

ClinVar aggregate classification (germline): Uncertain significance (1 of 4 stars; one submission).

Conditions:
Spastic paraplegia. Identifiers: MedGen C0037772, HP:0001258.

Submission:

Labcorp Genetics (formerly Invitae), Labcorp
Classification: Uncertain significance for Spastic paraplegia. Last evaluated: 2019-09-29. Review status: criteria provided, single submitter. Criteria: Invitae Variant Classification Sherloc (09022015). Collection method: clinical testing. Allele origin: germline.
Comment: This variant has not been reported in the literature in individuals with FA2H-related conditions. Algorithms developed to predict the effect of sequence changes on RNA splicing suggest that this variant may create or strengthen a splice site, but this prediction has not been confirmed by published transcriptional studies. In summary, the available evidence is currently insufficient to determine the role of this variant in disease. Therefore, it has been classified as a Variant of Uncertain Significance. This variant is not present in population databases (ExAC no frequency). This variant, c.426_428del, results in the deletion of 1 amino acid(s) of the FA2H protein (p.Asp142del), but otherwise preserves the integrity of the reading frame.